The following is an entry in ClinVar:

NM_022166.4(XYLT1):c.1906G>A (p.Asp636Asn)

Genes: XYLT1 (xylosyltransferase 1; minus strand), LOC102723692 (uncharacterized LOC102723692; plus strand). Cytogenetic location: 16p12.3.
Variant type: single nucleotide variant.
Coding change: c.1906G>A on transcript NM_022166.4 (MANE Select); coding-DNA position 1906, G replaced by A.
Protein change: p.Asp636Asn; replaces aspartic acid 636 with asparagine.
Molecular consequence: missense variant.
Genome position (GRCh38, 1-based): chr16:17,134,594, C>T on the plus strand (G>A on the coding strand, the complement: XYLT1 is on the minus strand). VCF-style: chr16-17134594-C-T. GRCh37 (hg19) VCF-style: chr16-17228451-C-T.
Other names: p.Asp636Asn; short protein forms D636N.
Identifiers: ClinVar variation 2683348 (VCV002683348.1), dbSNP rs748773365, ClinGen allele CA7927736.

ClinVar aggregate classification (germline): Uncertain significance (1 of 4 stars; one submission).

Allele frequency attached by ClinVar (database versions not stated): gnomAD 0.00001; TOPMed 0.00001; ExAC 0.00004.
gnomAD v4.1: 26 of 1,614,062 alleles (0.0016%); highest among the groups gnomAD compares: South Asian, 0.0055%; 1 homozygote.

Submission:

Mayo Clinic Laboratories, Mayo Clinic
Classification: Uncertain significance. Last evaluated: 2023-02-24. Review status: criteria provided, single submitter. Criteria: ACMG Guidelines, 2015. Collection method: clinical testing. Allele origin: germline. Observed: 1 variant allele.
Comment: PM2